The following is an entry in ClinVar:

NM_172107.4(KCNQ2):c.1118+53A>G

Gene: KCNQ2 (potassium voltage-gated channel subfamily Q member 2; minus strand). Cytogenetic location: 20q13.33.
Variant type: single nucleotide variant.
Coding change: c.1118+53A>G on transcript NM_172107.4 (MANE Select); 53 bases into the intron after coding-DNA position 1118, A replaced by G.
Molecular consequence: intron variant. On other transcripts: missense variant (1).
Genome position (GRCh38, 1-based): chr20:63,433,756, T>C on the plus strand (A>G on the coding strand, the complement: KCNQ2 is on the minus strand). VCF-style: chr20-63433756-T-C. GRCh37 (hg19) VCF-style: chr20-62065109-T-C.
Other names: p.I391V:ATT>GTT; c.1171A>G, p.Ile391Val (NM_172109.3); c.1118+53A>G (NM_004518.6, NM_172108.5, NM_172106.3); short protein forms I391V.
Identifiers: ClinVar variation 205834 (VCV000205834.1), dbSNP rs780492963, ClinGen allele CA315294.

ClinVar aggregate classification (germline): Likely benign (1 of 4 stars; one submission).

Allele frequency attached by ClinVar (database versions not stated): gnomAD exomes 0.00001; TOPMed 0.00002 and 0.00001; ExAC 0.00002.
gnomAD v4.1: 7 of 1,612,928 alleles (0.00043%); highest among the groups gnomAD compares: Non-Finnish European, 0.00059%; no homozygotes.

Submission:

GeneDx
Classification: Likely benign. Last evaluated: 2012-12-27. Review status: criteria provided, single submitter. Criteria: GeneDx Variant Classification (06012015). Collection method: clinical testing. Allele origin: germline. Affected: yes.
Comment: This variant is considered likely benign or benign based on one or more of the following criteria: it is a conservative change, it occurs at a poorly conserved position in the protein, it is predicted to be benign by multiple in silico algorithms, and/or has population frequency not consistent with disease.